The following is an entry in ClinVar:

NM_002471.4(MYH6):c.2891C>T (p.Ala964Val)

Gene: MYH6 (myosin heavy chain 6; minus strand). Cytogenetic location: 14q11.2.
Variant type: single nucleotide variant.
Coding change: c.2891C>T on transcript NM_002471.4 (MANE Select); coding-DNA position 2891, C replaced by T.
Protein change: p.Ala964Val; replaces alanine 964 with valine.
Molecular consequence: missense variant.
Genome position (GRCh38, 1-based): chr14:23,393,703, G>A on the plus strand (C>T on the coding strand, the complement: MYH6 is on the minus strand). VCF-style: chr14-23393703-G-A. GRCh37 (hg19) VCF-style: chr14-23862912-G-A.
Other names: short protein forms A964V.
Identifiers: ClinVar variation 2631050 (VCV002631050.1), dbSNP rs1891308335, ClinGen allele CA389011915.
Genomic context (GRCh38, chr14:23,393,703, plus strand): 5'-AAGCCAGAGGGAGCTGCCCTCACCTTGTTCTCTGTTGCATGCTTCTCCTTCTCCACCTTG[G>A]CCAGTGTCAGCTCCAGGTCATCAATGTCCTTCTTGAGCTCTGAGCACTCGTCTTCCAGCT-3'
Protein context (NP_002462.2, residues 954-974): KDIDDLELTL[Ala964Val]KVEKEKHATE

ClinVar aggregate classification (germline): Uncertain significance (1 of 4 stars; one submission).

Conditions:
MYH6-related disorder. Also called: MYH6-related condition; MYH6-Related Disorders.

Allele frequency attached by ClinVar (database versions not stated): TOPMed below 0.00001.

Submission:

PreventionGenetics, part of Exact Sciences
Classification: Uncertain significance for MYH6-related condition. Last evaluated: 2023-09-20. Review status: criteria provided, single submitter. Criteria: ACMG Guidelines, 2015. Collection method: clinical testing. Allele origin: germline.
Comment: The MYH6 c.2891C>T variant is predicted to result in the amino acid substitution p.Ala964Val. To our knowledge, this variant has not been reported in the literature or in a large population database, indicating this variant is rare. At this time, the clinical significance of this variant is uncertain due to the absence of conclusive functional and genetic evidence.